The following is an entry in ClinVar:

NM_001199138.2(NLRC4):c.508del (p.Glu170fs)

Gene: NLRC4 (NLR family CARD domain containing 4; minus strand). Cytogenetic location: 2p22.3.
Variant type: Deletion.
Coding change: c.508del on transcript NM_001199138.2 (MANE Select); coding-DNA position 508, one base deleted (G; older notation c.508delG).
Protein change: p.Glu170fs; shifts the reading frame from glutamic acid 170.
Molecular consequence: frameshift variant. On other transcripts: intron variant (1).
Genome position (GRCh38, 1-based): chr2:32,251,356, C deleted on the plus strand (G on the coding strand, the reverse complement: NLRC4 is on the minus strand); the first of 4 consecutive C bases (chr2:32,251,356-32,251,359); deleting any one gives the same sequence. VCF-style (leftmost placement, unchanged base first): chr2-32251355-TC-T. GRCh37 (hg19) VCF-style: chr2-32476424-TC-T.
Other names: c.505delG, p.Glu170Asnfs (NM_001199139.2, NM_021209.5); c.262+1063del (NM_001302504.1); short protein forms E170fs.
Identifiers: ClinVar variation 5017754 (VCV005017754.1).

ClinVar aggregate classification (germline): Uncertain significance (1 of 4 stars; one submission).

Submission:

GeneDx
Classification: Uncertain significance. Last evaluated: 2026-03-27. Review status: criteria provided, single submitter. Criteria: GeneDx Variant Classification Process June 2021. Collection method: clinical testing. Allele origin: germline.
Comment: Not observed at significant frequency in large population cohorts (gnomAD); Frameshift variant predicted to result in protein truncation or nonsense mediated decay in a gene for which loss of function is not a known mechanism of disease; Has not been previously published as pathogenic or benign to our knowledge